The following is an entry in ClinVar:

ClinVar aggregate classification (germline): Uncertain significance. Review status: criteria provided, multiple submitters, no conflicts (2 of 4 stars). 2 submissions from 2 submitters: Uncertain significance (2). Last evaluated 2026-04-30.

Conditions:
Autosomal recessive nonsyndromic hearing loss 7. Also called: DEAFNESS, AUTOSOMAL RECESSIVE 11. Identifiers: Orphanet 90636, MedGen C1832978, MONDO:0010967, OMIM 600974.

Allele frequency attached by ClinVar (database versions not stated): ExAC 0.00001.
gnomAD v4.1: 2 of 1,613,494 alleles (0.00012%); highest among the groups gnomAD compares: Non-Finnish European, 0.00017%; no homozygotes.

Submissions (2):

Laboratory of Molecular, Cellular and Translation Genetics in Otolaryngology/ Lim32-hcfmusp, University of Sao Paulo School of Medicine Clinics Hospital
Classification: Uncertain significance for Autosomal recessive nonsyndromic hearing loss 7. Last evaluated: 2026-04-30. Review status: criteria provided, single submitter. Criteria: ACMG Guidelines, 2015. Collection method: research. Allele origin: germline. Affected: yes.
Comment: NM_138691.3:c.1762T>C:p.(Trp588Arg). This variant has been classified as a variant of uncertain significance (VUS). It is rare in population databases (PM2), and in silico prediction tools support a deleterious effect on protein function (PP3_moderate). However, the available evidence is insufficient to definitively establish this variant as causative of autosomal recessive hearing loss as described in PMID: 42233699.

Labcorp Genetics (formerly Invitae), Labcorp
Classification: Uncertain significance. Last evaluated: 2022-03-04. Review status: criteria provided, single submitter. Criteria: Invitae Variant Classification Sherloc (09022015). Collection method: clinical testing. Allele origin: germline.
Comment: This sequence change replaces tryptophan, which is neutral and slightly polar, with arginine, which is basic and polar, at codon 588 of the TMC1 protein (p.Trp588Arg). This variant is present in population databases (rs766228632, gnomAD 0.002%). This variant has not been reported in the literature in individuals affected with TMC1-related conditions. Algorithms developed to predict the effect of missense changes on protein structure and function (SIFT, PolyPhen-2, Align-GVGD) all suggest that this variant is likely to be disruptive. Algorithms developed to predict the effect of sequence changes on RNA splicing suggest that this variant may create or strengthen a splice site. In summary, the available evidence is currently insufficient to determine the role of this variant in disease. Therefore, it has been classified as a Variant of Uncertain Significance.

Literature cited by the submitters: PubMed 42233699 (cited by Laboratory of Molecular, Cellular and Translation Genetics in Otolaryngology/ Lim32-hcfmusp, University of Sao Paulo School of Medicine Clinics Hospital).

NM_138691.3(TMC1):c.1762T>C (p.Trp588Arg)

Gene: TMC1 (transmembrane channel like 1; plus strand). Cytogenetic location: 9q21.13.
Variant type: single nucleotide variant.
Coding change: c.1762T>C on transcript NM_138691.3 (MANE Select); coding-DNA position 1762, T replaced by C.
Protein change: p.Trp588Arg; replaces tryptophan 588 with arginine.
Molecular consequence: missense variant.
Genome position (GRCh38, 1-based): chr9:72,816,209, T>C. VCF-style: chr9-72816209-T-C. GRCh37 (hg19) VCF-style: chr9-75431125-T-C.
Other names: short protein forms W588R.
Identifiers: ClinVar variation 1976353 (VCV001976353.4), dbSNP rs766228632, ClinGen allele CA5082053.